The following is an entry in ClinVar:

ClinVar aggregate classification (germline): Uncertain significance (1 of 4 stars; one submission).

Conditions:
Cohen syndrome (COH1). Also called: Cutis verticis gyrata, retinitis pigmentosa, and sensorineural deafness; PEPPER SYNDROME. Identifiers: Orphanet 193, MedGen C0265223, MONDO:0008999, OMIM 216550.

Allele frequency attached by ClinVar (database versions not stated): ExAC 0.00001; gnomAD 0.00001; TOPMed 0.00001; gnomAD exomes 0.00003.
gnomAD v4.1: 39 of 1,613,476 alleles (0.0024%); highest among the groups gnomAD compares: Non-Finnish European, 0.0032%; 1 homozygote.

Submission:

Labcorp Genetics (formerly Invitae), Labcorp
Classification: Uncertain significance for Cohen syndrome. Last evaluated: 2025-01-13. Review status: criteria provided, single submitter. Criteria: Invitae Variant Classification Sherloc (09022015). Collection method: clinical testing. Allele origin: germline.
Comment: This sequence change affects codon 194 of the VPS13B mRNA. It is a 'silent' change, meaning that it does not change the encoded amino acid sequence of the VPS13B protein. This variant also falls at the last nucleotide of exon 5, which is part of the consensus splice site for this exon. This variant is present in population databases (rs771155171, gnomAD 0.003%). This variant has not been reported in the literature in individuals affected with VPS13B-related conditions. ClinVar contains an entry for this variant (Variation ID: 2021282). An algorithm developed to predict the effect of missense changes on protein structure and function (PolyPhen-2) suggests that this variant is likely to be disruptive. Variants that disrupt the consensus splice site are a relatively common cause of aberrant splicing (PMID: 17576681, 9536098). Algorithms developed to predict the effect of sequence changes on RNA splicing suggest that this variant may disrupt the consensus splice site. In summary, the available evidence is currently insufficient to determine the role of this variant in disease. Therefore, it has been classified as a Variant of Uncertain Significance.

Literature cited by the submitters: PubMed 17576681; PubMed 9536098.

NM_152564.5(VPS13B):c.580G>A (p.Ala194Thr)

Gene: VPS13B (vacuolar protein sorting 13 homolog B; plus strand). Cytogenetic location: 8q22.2.
Variant type: single nucleotide variant.
Coding change: c.580G>A on transcript NM_152564.5 (MANE Select); coding-DNA position 580, G replaced by A.
Protein change: p.Ala194Thr; replaces alanine 194 with threonine.
Molecular consequence: missense variant. On other transcripts: non-coding transcript variant (1).
Genome position (GRCh38, 1-based): chr8:99,103,120, G>A. VCF-style: chr8-99103120-G-A. GRCh37 (hg19) VCF-style: chr8-100115348-G-A.
Other names: c.580G>A, p.Ala194Thr (NM_015243.3, NM_017890.5, NM_181661.3); short protein forms A194T.
Identifiers: ClinVar variation 2021282 (VCV002021282.2), dbSNP rs771155171, ClinGen allele CA4822414.